The following is an entry in ClinVar:

ClinVar aggregate classification (germline): Uncertain significance (1 of 4 stars; one submission).

Submission:

GeneDx
Classification: Uncertain significance. Last evaluated: 2022-10-27. Review status: criteria provided, single submitter. Criteria: GeneDx Variant Classification Process June 2021. Collection method: clinical testing. Allele origin: germline. Affected: yes.
Comment: Not observed at significant frequency in large population cohorts (gnomAD); In silico analysis supports that this missense variant has a deleterious effect on protein structure/function; Has not been previously published as pathogenic or benign to our knowledge

NM_001394372.1(BICRA):c.1292C>T (p.Thr431Ile)

Gene: BICRA (BRD4 interacting chromatin remodeling complex associated protein; plus strand). Cytogenetic location: 19q13.33.
Variant type: single nucleotide variant.
Coding change: c.1292C>T on transcript NM_001394372.1 (MANE Select); coding-DNA position 1292, C replaced by T.
Protein change: p.Thr431Ile; replaces threonine 431 with isoleucine.
Molecular consequence: missense variant.
Genome position (GRCh38, 1-based): chr19:47,680,462, C>T. VCF-style: chr19-47680462-C-T. GRCh37 (hg19) VCF-style: chr19-48183719-C-T.
Other names: c.1292C>T, p.Thr431Ile (NM_015711.3); short protein forms T431I.
Identifiers: ClinVar variation 2500607 (VCV002500607.1), dbSNP rs2514109967, ClinGen allele CA406612586.
Genomic context (GRCh38, chr19:47,680,462, plus strand): 5'-TGTCGGGCTTCCCCGCGCCTGCGCTGCAAGCGAACGTCTTCAAGCAGCCACCGGCCACCA[C>T]CACCGGAGCGGCCCCGCCGCAGCCCCCCGGGGCCCTGAGCAAACCCATGAGCGTCCACCT-3'
Protein context (NP_001381301.1, residues 421-441): ANVFKQPPAT[Thr431Ile]TGAAPPQPPG